The following is an entry in ClinVar:

ClinVar aggregate classification (germline): Uncertain significance. Review status: criteria provided, multiple submitters, no conflicts (2 of 4 stars). 2 submissions from 2 submitters: Uncertain significance (2). Last evaluated 2025-05-01.

Conditions:
Catecholaminergic polymorphic ventricular tachycardia 1. Also called: RYR2-Related Catecholaminergic Polymorphic Ventricular Tachycardia; VENTRICULAR TACHYCARDIA, STRESS-INDUCED POLYMORPHIC 1; VENTRICULAR TACHYCARDIA, CATECHOLAMINERGIC POLYMORPHIC, 1, WITH OR WITHOUT ATRIAL DYSFUNCTION AND/OR DILATED CARDIOMYOPATHY. Identifiers: Orphanet 3286, MedGen C1631597, MONDO:0011484, OMIM 604772.
Cardiovascular phenotype. Identifiers: MedGen CN230736.

Allele frequency attached by ClinVar (database versions not stated): gnomAD 0.00001; TOPMed 0.00001.
gnomAD v4.1: 3 of 1,606,198 alleles (0.00019%); highest among the groups gnomAD compares: Non-Finnish European, 0.00026%; no homozygotes.

Submissions (2):

Labcorp Genetics (formerly Invitae), Labcorp
Classification: Uncertain significance for Catecholaminergic polymorphic ventricular tachycardia 1. Last evaluated: 2025-05-01. Review status: criteria provided, single submitter. Criteria: Invitae Variant Classification Sherloc (09022015). Collection method: clinical testing. Allele origin: germline.
Comment: This sequence change replaces aspartic acid, which is acidic and polar, with glycine, which is neutral and non-polar, at codon 395 of the CASQ2 protein (p.Asp395Gly). This variant is present in population databases (no rsID available, gnomAD 0.0009%). This variant has not been reported in the literature in individuals affected with CASQ2-related conditions. ClinVar contains an entry for this variant (Variation ID: 3137673). Invitae Evidence Modeling of protein sequence and biophysical properties (such as structural, functional, and spatial information, amino acid conservation, physicochemical variation, residue mobility, and thermodynamic stability) indicates that this missense variant is not expected to disrupt CASQ2 protein function with a negative predictive value of 80%. In summary, the available evidence is currently insufficient to determine the role of this variant in disease. Therefore, it has been classified as a Variant of Uncertain Significance.

Ambry Genetics
Classification: Uncertain significance for Cardiovascular phenotype. Last evaluated: 2023-11-14. Review status: criteria provided, single submitter. Criteria: Ambry Variant Classification Scheme 2023. Collection method: clinical testing. Allele origin: germline.

NM_001232.4(CASQ2):c.1184A>G (p.Asp395Gly)

Gene: CASQ2 (calsequestrin 2; minus strand). Cytogenetic location: 1p13.1.
Variant type: single nucleotide variant.
Coding change: c.1184A>G on transcript NM_001232.4 (MANE Select); coding-DNA position 1184, A replaced by G.
Protein change: p.Asp395Gly; replaces aspartic acid 395 with glycine.
Molecular consequence: missense variant.
Genome position (GRCh38, 1-based): chr1:115,701,257, T>C on the plus strand (A>G on the coding strand, the complement: CASQ2 is on the minus strand). VCF-style: chr1-115701257-T-C. GRCh37 (hg19) VCF-style: chr1-116243878-T-C.
Other names: short protein forms D395G.
Identifiers: ClinVar variation 3137673 (VCV003137673.2), dbSNP rs1261690750, ClinGen allele CA341766166.